The following is an entry in ClinVar:

NC_000015.10:g.84817235C>G

Gene: ALPK3 (alpha kinase 3; plus strand). Cytogenetic location: 15q25.3.
Variant type: single nucleotide variant.
Genome position: GRCh38 VCF-style: chr15-84817235-C-G. GRCh37 (hg19) VCF-style: chr15-85360466-C-G.
Identifiers: ClinVar variation 4715133 (VCV004715133.1).

ClinVar aggregate classification (germline): Uncertain significance (1 of 4 stars; one submission).

Submission:

Labcorp Genetics (formerly Invitae), Labcorp
Classification: Uncertain significance. Last evaluated: 2025-03-20. Review status: criteria provided, single submitter. Criteria: Invitae Variant Classification Sherloc (09022015). Collection method: clinical testing. Allele origin: germline.
Comment: This sequence change replaces proline, which is neutral and non-polar, with arginine, which is basic and polar, at codon 130 of the ALPK3 protein (p.Pro130Arg). This variant is not present in population databases (gnomAD no frequency). This variant has not been reported in the literature in individuals affected with ALPK3-related conditions. An algorithm developed to predict the effect of missense changes on protein structure and function (PolyPhen-2) suggests that this variant is likely to be tolerated. In summary, the available evidence is currently insufficient to determine the role of this variant in disease. Therefore, it has been classified as a Variant of Uncertain Significance.